The following is an entry in ClinVar:

NM_021930.6(RINT1):c.115G>A (p.Gly39Arg)

Gene: RINT1 (RAD50 interactor 1; plus strand). Cytogenetic location: 7q22.3.
Variant type: single nucleotide variant.
Coding change: c.115G>A on transcript NM_021930.6 (MANE Select); coding-DNA position 115, G replaced by A.
Protein change: p.Gly39Arg; replaces glycine 39 with arginine.
Molecular consequence: missense variant. On other transcripts: 5 prime UTR variant (3), non-coding transcript variant (1), synonymous variant (1).
Genome position (GRCh38, 1-based): chr7:105,536,591, G>A. VCF-style: chr7-105536591-G-A. GRCh37 (hg19) VCF-style: chr7-105177038-G-A.
Other names: c.-808G>A (NM_001346601.2); c.-428G>A (NM_001346603.2); c.18G>A, p.Leu6= (NM_001346599.2); c.-905G>A (NM_001346600.2); short protein forms G39R.
Identifiers: ClinVar variation 3945966 (VCV003945966.1).

ClinVar aggregate classification (germline): Uncertain significance (1 of 4 stars; one submission).

Submission:

Ambry Genetics
Classification: Uncertain significance. Last evaluated: 2025-04-17. Review status: criteria provided, single submitter. Criteria: Ambry Variant Classification Scheme 2023. Collection method: clinical testing. Allele origin: germline.
Comment: The p.G39R variant (also known as c.115G>A), located in coding exon 3 of the RINT1 gene, results from a G to A substitution at nucleotide position 115. The glycine at codon 39 is replaced by arginine, an amino acid with dissimilar properties. This amino acid position is conserved. In addition, this alteration is predicted to be tolerated by in silico analysis. Based on the available evidence, the clinical significance of this variant remains unclear.